The following is an entry in ClinVar:

ClinVar aggregate classification (germline): Conflicting classifications of pathogenicity. Review status: criteria provided, conflicting classifications (1 of 4 stars). 2 submissions from 2 submitters: Uncertain significance (1); Likely benign (1). Last evaluated 2023-05-22.

Conditions:
Hereditary cancer-predisposing syndrome. Also called: Tumor predisposition; Hereditary Cancer Syndrome; Hereditary neoplastic syndrome; Neoplastic Syndromes, Hereditary. Identifiers: Orphanet 140162, MedGen C0027672, MeSH D009386, MONDO:0015356.
Hereditary breast ovarian cancer syndrome. Also called: Breast and ovarian cancer; Hereditary breast and/or ovarian cancer syndrome; BRCA1- and BRCA2-Associated Hereditary Breast and Ovarian Cancer; Hereditary breast and ovarian cancer syndrome; Hereditary breast and ovarian cancer syndrome (HBOC); Hereditary breast and ovarian cancer. Identifiers: Orphanet 145, MedGen C0677776, MeSH D061325, MONDO:0003582. Disease mechanism: loss of function.

Allele frequency attached by ClinVar (database versions not stated): gnomAD exomes below 0.00001; TOPMed below 0.00001; gnomAD 0.00001.
gnomAD v4.1: 2 of 1,613,504 alleles (0.00012%); highest among the groups gnomAD compares: East Asian, 0.0022%; no homozygotes.

Submissions (3):

Labcorp Genetics (formerly Invitae), Labcorp
Classification: Uncertain significance for Hereditary breast ovarian cancer syndrome. Last evaluated: 2023-05-22. Review status: criteria provided, single submitter. Criteria: Invitae Variant Classification Sherloc (09022015). Collection method: clinical testing. Allele origin: germline.
Comment: This sequence change replaces threonine, which is neutral and polar, with alanine, which is neutral and non-polar, at codon 1675 of the BRCA1 protein (p.Thr1675Ala). In summary, the available evidence is currently insufficient to determine the role of this variant in disease. Therefore, it has been classified as a Variant of Uncertain Significance. Experimental studies have shown that this missense change does not substantially affect BRCA1 function (PMID: 30209399). Advanced modeling performed at Invitae incorporating data from internal and/or published experimental studies (PMID: 30209399) indicates that this missense variant is not expected to disrupt BRCA1 function. ClinVar contains an entry for this variant (Variation ID: 482928). This variant has not been reported in the literature in individuals affected with BRCA1-related conditions. This variant is present in population databases (no rsID available, gnomAD 0.003%).

Ambry Genetics
Classification: Likely benign for Hereditary cancer-predisposing syndrome. Last evaluated: 2017-04-28. Review status: criteria provided, single submitter. Criteria: Ambry Variant Classification Scheme 2023. Collection method: clinical testing. Allele origin: germline.

Brotman Baty Institute, University of Washington
No classification provided (evidence only). Condition: Breast-ovarian cancer, familial 1. Review status: no classification provided. Collection method: in vitro. Allele origin: not applicable. Functional consequence: functionally_normal. Not counted in ClinVar's aggregate classification.
ClinVar note: "not provided" was previously submitted as the classification for the variant. However, the classification appeared to be based only on an observation of functional data so it was converted to no classification on 2025-07-30.

Literature cited by the submitters: PubMed 30209399 (cited by Labcorp Genetics (formerly Invitae), Labcorp).

NM_007294.4(BRCA1):c.5023A>G (p.Thr1675Ala)

Gene: BRCA1 (BRCA1 DNA repair associated; minus strand). Cytogenetic location: 17q21.31.
Variant type: single nucleotide variant.
Coding change: c.5023A>G on transcript NM_007294.4 (MANE Select); coding-DNA position 5023, A replaced by G.
Protein change: p.Thr1675Ala; replaces threonine 1675 with alanine.
Molecular consequence: missense variant. On other transcripts: non-coding transcript variant (1).
Genome position (GRCh38, 1-based): chr17:43,067,659, T>C on the plus strand (A>G on the coding strand, the complement: BRCA1 is on the minus strand). VCF-style: chr17-43067659-T-C. GRCh37 (hg19) VCF-style: chr17-41219676-T-C.
Other names: c.4810A>G, p.Thr1604Ala (NM_001407571.1, NM_001407898.1, NM_001407899.1 and 12 more transcripts); c.5089A>G, p.Thr1697Ala (NM_001407581.1, NM_001407582.1); c.5086A>G, p.Thr1696Ala (NM_001407583.1, NM_001407585.1, NM_001407587.1 and 1 more transcripts); c.5083A>G, p.Thr1695Ala (NM_001407590.1, NM_001407591.1); c.5023A>G, p.Thr1675Ala (NM_001407593.1, NM_001407594.1, NM_001407596.1 and 8 more transcripts); c.5020A>G, p.Thr1674Ala (NM_001407610.1, NM_001407611.1, NM_001407612.1 and 17 more transcripts); c.5017A>G, p.Thr1673Ala (NM_001407627.1, NM_001407628.1, NM_001407629.1 and 14 more transcripts); c.5008A>G, p.Thr1670Ala (NM_001407647.1); and 70 more; short protein forms T1675A, T571A, T1628A, T1696A, T1506A, T1587A, T1603A, T1631A.
Identifiers: ClinVar variation 482928 (VCV000482928.10), dbSNP rs774452090, ClinGen allele CA10591468.